The following is an entry in ClinVar:

ClinVar aggregate classification (germline): Uncertain significance (1 of 4 stars; one submission).

Allele frequency attached by ClinVar (database versions not stated): gnomAD exomes below 0.00001 and 0.00001; ExAC 0.00001; TOPMed 0.00001.
gnomAD v4.1: 4 of 1,603,464 alleles (0.00025%); highest among the groups gnomAD compares: Admixed American, 0.0034%; no homozygotes.

Submission:

Labcorp Genetics (formerly Invitae), Labcorp
Classification: Uncertain significance. Last evaluated: 2022-03-10. Review status: criteria provided, single submitter. Criteria: Invitae Variant Classification Sherloc (09022015). Collection method: clinical testing. Allele origin: germline.
Comment: In summary, the available evidence is currently insufficient to determine the role of this variant in disease. Therefore, it has been classified as a Variant of Uncertain Significance. Algorithms developed to predict the effect of missense changes on protein structure and function output the following: SIFT: "Tolerated"; PolyPhen-2: "Benign"; Align-GVGD: "Class C0". The phenylalanine amino acid residue is found in multiple mammalian species, which suggests that this missense change does not adversely affect protein function. ClinVar contains an entry for this variant (Variation ID: 1058120). This variant has not been reported in the literature in individuals affected with SAMD11-related conditions. This variant is present in population databases (rs777616398, gnomAD 0.006%). This sequence change replaces leucine, which is neutral and non-polar, with phenylalanine, which is neutral and non-polar, at codon 670 of the SAMD11 protein (p.Leu670Phe).

NM_001385641.1(SAMD11):c.2497C>T (p.Leu833Phe)

Gene: SAMD11 (sterile alpha motif domain containing 11; plus strand). Cytogenetic location: 1p36.33.
Variant type: single nucleotide variant.
Coding change: c.2497C>T on transcript NM_001385641.1 (MANE Select); coding-DNA position 2497, C replaced by T.
Protein change: p.Leu833Phe; replaces leucine 833 with phenylalanine.
Molecular consequence: missense variant.
Genome position (GRCh38, 1-based): chr1:944,115, C>T. VCF-style: chr1-944115-C-T. GRCh37 (hg19) VCF-style: chr1-879495-C-T.
Other names: c.2500C>T, p.Leu834Phe (NM_001385640.1); c.2008C>T, p.Leu670Phe (NM_152486.4); short protein forms L670F, L833F, L834F.
Identifiers: ClinVar variation 1058120 (VCV001058120.9), dbSNP rs777616398, ClinGen allele CA503446.
Genomic context (GRCh38, chr1:944,115, plus strand): 5'-GGGGGCCACGCCCTTGCCGGTCAAACTTCACCCAAGCAGGAGAATGGGACCTTGGCTCTA[C>T]TTCCAGGGGCCCCCGACCCTTCCCAGCCTCTGTGTTGAGGTTGCCGGGGGTAGGGGTGGG-3'
Protein context (NP_001372570.1, residues 823-843): PKQENGTLAL[Leu833Phe]PGAPDPSQPL